The following is an entry in ClinVar:

NM_000548.5(TSC2):c.1781T>C (p.Ile594Thr)

Gene: TSC2 (TSC complex subunit 2; plus strand). Cytogenetic location: 16p13.3.
Variant type: single nucleotide variant.
Coding change: c.1781T>C on transcript NM_000548.5 (MANE Select); coding-DNA position 1781, T replaced by C.
Protein change: p.Ile594Thr; replaces isoleucine 594 with threonine.
Molecular consequence: missense variant. On other transcripts: non-coding transcript variant (5).
Genome position (GRCh38, 1-based): chr16:2,070,520, T>C. VCF-style: chr16-2070520-T-C. GRCh37 (hg19) VCF-style: chr16-2120521-T-C.
Other names: c.1670T>C, p.Ile557Thr (NM_001406670.1, NM_001406678.1, NM_001318827.2); c.1769T>C, p.Ile590Thr (NM_001406671.1, NM_001406673.1); c.1634T>C, p.Ile545Thr (NM_001406675.1, NM_001406676.1, NM_001406679.1 and 1 more transcripts); c.1724T>C, p.Ile575Thr (NM_001406677.1); c.1181T>C, p.Ile394Thr (NM_001406680.1, NM_001318831.2, NM_001406682.1 and 6 more transcripts); c.1319T>C, p.Ile440Thr (NM_001406681.1); c.1781T>C, p.Ile594Thr (NM_001077183.3, NM_001114382.3, NM_001363528.2 and 6 more transcripts); c.1814T>C, p.Ile605Thr (NM_001318832.2); and 3 more; short protein forms I590T, I605T, I624T, I394T, I60T, I545T, I557T, I575T.
Identifiers: ClinVar variation 5031333 (VCV005031333.1).
Genomic context (GRCh38, chr16:2,070,520, plus strand): 5'-AGCTGTACACCCTGCCTGCAAGCCACGCCACGCGTGTGTATGAGATGCTGGTCAGCCACA[T>C]TCAGCTCCACTACAAGCACAGCTACACCCTGCCAATCGCGAGCAGCATCCGGCTGCAGGT-3'
Protein context (NP_000539.2, residues 584-604): TRVYEMLVSH[Ile594Thr]QLHYKHSYTL

ClinVar aggregate classification (germline): Uncertain significance (1 of 4 stars; one submission).

Conditions:
Hereditary cancer-predisposing syndrome. Also called: Neoplastic Syndromes, Hereditary; Tumor predisposition; Hereditary neoplastic syndrome; Hereditary Cancer Syndrome. Identifiers: Orphanet 140162, MedGen C0027672, MeSH D009386, MONDO:0015356.

Submission:

Ambry Genetics
Classification: Uncertain significance for Hereditary cancer-predisposing syndrome. Last evaluated: 2026-07-06. Review status: criteria provided, single submitter. Criteria: Ambry Variant Classification Scheme 2023. Collection method: clinical testing. Allele origin: germline.
Comment: The p.I594T variant (also known as c.1781T>C), located in coding exon 16 of the TSC2 gene, results from a T to C substitution at nucleotide position 1781. The isoleucine at codon 594 is replaced by threonine, an amino acid with similar properties. This amino acid position is conserved. In addition, the in silico prediction for this alteration is inconclusive. Based on the available evidence, the clinical significance of this variant remains unclear.